The following is an entry in ClinVar:

ClinVar aggregate classification (germline): Uncertain significance (1 of 4 stars; one submission).

Conditions:
LZTFL1-related disorder. Also called: LZTFL1-related condition.

Submission:

PreventionGenetics, part of Exact Sciences
Classification: Uncertain significance for LZTFL1-related condition. Last evaluated: 2025-11-25. Review status: criteria provided, single submitter. Criteria: ACMG Guidelines, 2015. Collection method: clinical testing. Allele origin: germline.
Comment: The LZTFL1 c.2T>G variant is predicted to disrupt the translation initiation site (Start Loss). To our knowledge, this variant has not been reported in the literature or in a large population database (gnomAD), indicating this variant is rare. At this time, the clinical significance of this variant is uncertain due to the absence of conclusive functional and genetic evidence.

NM_020347.4(LZTFL1):c.2T>G (p.Met1Arg)

Gene: LZTFL1 (leucine zipper transcription factor like 1; minus strand). Cytogenetic location: 3p21.31.
Variant type: single nucleotide variant.
Coding change: c.2T>G on transcript NM_020347.4 (MANE Select); coding-DNA position 2, T replaced by G.
Protein change: p.Met1Arg; changes the start codon (methionine 1).
Molecular consequence: missense variant, initiator codon variant. On other transcripts: 5 prime UTR variant (3), non-coding transcript variant (2), intron variant (8).
Genome position (GRCh38, 1-based): chr3:45,841,990, A>C on the plus strand (T>G on the coding strand, the complement: LZTFL1 is on the minus strand). VCF-style: chr3-45841990-A-C. GRCh37 (hg19) VCF-style: chr3-45883482-A-C.
Other names: c.2T>G, p.Met1Arg (NM_001405924.1, NM_001386452.1); c.-46T>G (NM_001405928.1, NM_001386451.1); c.28-3939T>G (NM_001405925.1, NM_001405920.1); c.117-6206T>G (NM_001276379.2, NM_001405921.1); c.-48-3939T>G (NM_001405927.1, NM_001276378.2, NM_001405926.1 and 1 more transcripts); c.-344T>G (NM_001405922.1); short protein forms M1R.
Identifiers: ClinVar variation 4996136 (VCV004996136.1).
Genomic context (GRCh38, chr3:45,841,990, plus strand): 5'-CCAGCCCCGGCCGCGCTCTCTCCTGTGCGCGGTGCGGCGCCTGAGGGTCGGTTACTCACC[A>C]TGGCGGCAGGCAGCGGCGGCAGCCTAAAGGAACGGGAGAGGCCAGGCGGTGCCCCGCCAA-3'
Protein context (NP_065080.1, residues 1-11): [Met1Arg]AELGLNEHHQ